The following is an entry in ClinVar:

ClinVar aggregate classification (germline): Conflicting classifications of pathogenicity. Review status: criteria provided, conflicting classifications (1 of 4 stars). 4 submissions from 4 submitters: Uncertain significance (3); Likely benign (1). Last evaluated 2026-01-23.

Conditions:
Atypical hemolytic-uremic syndrome with thrombomodulin anomaly. Also called: HEMOLYTIC UREMIC SYNDROME, ATYPICAL, SUSCEPTIBILITY TO, 6; AHUS, SUSCEPTIBILITY TO, 6. Identifiers: MedGen C2752036, MONDO:0013044, OMIM 612926. Disease mechanism: gain of function.
Thrombomodulin-related bleeding disorder (THPH12). Also called: Thrombophilia due to thrombomodulin defect. Identifiers: Orphanet 436169, MedGen C3280976, MONDO:0013775, OMIM 614486.
Inborn genetic diseases. Identifiers: MedGen C0950123, MeSH D030342.

Allele frequency attached by ClinVar (database versions not stated): gnomAD 0.00001; gnomAD exomes 0.00002; TOPMed 0.00002; ExAC 0.00003.

Submissions (4):

Women's Health and Genetics/Laboratory Corporation of America, LabCorp
Classification: Uncertain significance. Last evaluated: 2026-01-23. Review status: criteria provided, single submitter. Criteria: LabCorp Variant Classification Summary - May 2015. Collection method: clinical testing. Allele origin: germline.

Labcorp Genetics (formerly Invitae), Labcorp
Classification: Uncertain significance. Last evaluated: 2025-03-04. Review status: criteria provided, single submitter. Criteria: Invitae Variant Classification Sherloc (09022015). Collection method: clinical testing. Allele origin: germline.
Comment: This sequence change replaces lysine, which is basic and polar, with asparagine, which is neutral and polar, at codon 161 of the THBD protein (p.Lys161Asn). The frequency data for this variant in the population databases is considered unreliable, as metrics indicate poor data quality at this position in the gnomAD database. This variant has not been reported in the literature in individuals affected with THBD-related conditions. ClinVar contains an entry for this variant (Variation ID: 1525345). Invitae Evidence Modeling of protein sequence and biophysical properties (such as structural, functional, and spatial information, amino acid conservation, physicochemical variation, residue mobility, and thermodynamic stability) indicates that this missense variant is not expected to disrupt THBD protein function with a negative predictive value of 80%. In summary, the available evidence is currently insufficient to determine the role of this variant in disease. Therefore, it has been classified as a Variant of Uncertain Significance.

Ambry Genetics
Classification: Likely benign for Inborn genetic diseases. Last evaluated: 2024-08-27. Review status: criteria provided, single submitter. Criteria: Ambry Variant Classification Scheme 2023. Collection method: clinical testing. Allele origin: germline.

Fulgent Genetics
Classification: Uncertain significance for Atypical hemolytic-uremic syndrome with thrombomodulin anomaly; Thrombomodulin-related bleeding disorder. Last evaluated: 2024-05-14. Review status: criteria provided, single submitter. Criteria: ACMG Guidelines, 2015. Collection method: clinical testing. Allele origin: germline.

NM_000361.3(THBD):c.483G>T (p.Lys161Asn)

Gene: THBD (thrombomodulin; minus strand). Cytogenetic location: 20p11.21.
Variant type: single nucleotide variant.
Coding change: c.483G>T on transcript NM_000361.3 (MANE Select); coding-DNA position 483, G replaced by T.
Protein change: p.Lys161Asn; replaces lysine 161 with asparagine.
Molecular consequence: missense variant.
Genome position (GRCh38, 1-based): chr20:23,049,022, C>A on the plus strand (G>T on the coding strand, the complement: THBD is on the minus strand). VCF-style: chr20-23049022-C-A. GRCh37 (hg19) VCF-style: chr20-23029659-C-A.
Other names: c.483G>T (NM_000361.2); short protein forms K161N.
Identifiers: ClinVar variation 1525345 (VCV001525345.11), dbSNP rs767341182, ClinGen allele CA9787729.
Genomic context (GRCh38, chr20:23,049,022, plus strand): 5'-CTCCACAGCCAGTGGCCTGCAGGTGGCTGGGAAGTGGAACTCGCAGAGGAAGCCATCGGC[C>A]TTCACTTCGCACTGCTGCTCCTCCCAGATCGGCTCGCTGGGCACAGTGGCCTCAGCAGCG-3'
Protein context (NP_000352.1, residues 151-171): PIWEEQQCEV[Lys161Asn]ADGFLCEFHF